The following is an entry in ClinVar:

ClinVar aggregate classification (germline): Uncertain significance (1 of 4 stars; one submission).

Conditions:
Hereditary spastic paraplegia 47. Also called: adaptor protein 4 (AP-4) deficiency syndrome; Spastic paraplegia 47, autosomal recessive; CEREBRAL PALSY, SPASTIC QUADRIPLEGIC, 5. Identifiers: Orphanet 280763, MedGen C3279738, MONDO:0013551, OMIM 614066.

Allele frequency attached by ClinVar (database versions not stated): gnomAD exomes below 0.00001; TOPMed below 0.00001.

Submission:

Labcorp Genetics (formerly Invitae), Labcorp
Classification: Uncertain significance for Hereditary spastic paraplegia 47. Last evaluated: 2019-04-06. Review status: criteria provided, single submitter. Criteria: Invitae Variant Classification Sherloc (09022015). Collection method: clinical testing. Allele origin: germline.
Comment: Algorithms developed to predict the effect of missense changes on protein structure and function (SIFT, PolyPhen-2, Align-GVGD) all suggest that this variant is likely to be disruptive, but these predictions have not been confirmed by published functional studies and their clinical significance is uncertain. In summary, the available evidence is currently insufficient to determine the role of this variant in disease. Therefore, it has been classified as a Variant of Uncertain Significance. This variant has not been reported in the literature in individuals with AP4B1-related conditions. This variant is not present in population databases (ExAC no frequency). This sequence change replaces cysteine with arginine at codon 420 of the AP4B1 protein (p.Cys420Arg). The cysteine residue is highly conserved and there is a large physicochemical difference between cysteine and arginine.

NM_001253852.3(AP4B1):c.1258T>C (p.Cys420Arg)

Genes: AP4B1-AS1 (AP4B1 antisense RNA 1; plus strand), AP4B1 (adaptor related protein complex 4 subunit beta 1; minus strand). Cytogenetic location: 1p13.2.
Variant type: single nucleotide variant.
Coding change: c.1258T>C on transcript NM_001253852.3 (MANE Select); coding-DNA position 1258, T replaced by C.
Protein change: p.Cys420Arg; replaces cysteine 420 with arginine.
Molecular consequence: missense variant. On other transcripts: non-coding transcript variant (2).
Genome position (GRCh38, 1-based): chr1:113,897,884, A>G on the plus strand (T>C on the coding strand, the complement: AP4B1 is on the minus strand). VCF-style: chr1-113897884-A-G. GRCh37 (hg19) VCF-style: chr1-114440506-A-G.
Other names: c.961T>C, p.Cys321Arg (NM_001253853.3); c.754T>C, p.Cys252Arg (NM_001308312.2); c.1258T>C, p.Cys420Arg (NM_006594.5); short protein forms C321R, C420R, C252R.
Identifiers: ClinVar variation 845715 (VCV000845715.9), dbSNP rs1227614224, ClinGen allele CA341711423.